The following is an entry in ClinVar:

ClinVar aggregate classification (germline): Uncertain significance. Review status: criteria provided, multiple submitters, no conflicts (2 of 4 stars). 2 submissions from 2 submitters: Uncertain significance (2). Last evaluated 2023-12-09.

Conditions:
Perlman syndrome (PRLMNS). Identifiers: Orphanet 2849, MedGen C0796113, MONDO:0009965, OMIM 267000.

Allele frequency attached by ClinVar (database versions not stated): gnomAD exomes below 0.00001.
gnomAD v4.1: 1 of 1,614,184 alleles (0.000062%); highest among the groups gnomAD compares: South Asian, 0.0011%; no homozygotes.

Submissions (2):

Labcorp Genetics (formerly Invitae), Labcorp
Classification: Uncertain significance for Perlman syndrome. Last evaluated: 2023-12-09. Review status: criteria provided, single submitter. Criteria: Invitae Variant Classification Sherloc (09022015). Collection method: clinical testing. Allele origin: germline.
Comment: This sequence change replaces valine, which is neutral and non-polar, with leucine, which is neutral and non-polar, at codon 185 of the DIS3L2 protein (p.Val185Leu). This variant is not present in population databases (gnomAD no frequency). This variant has not been reported in the literature in individuals affected with DIS3L2-related conditions. ClinVar contains an entry for this variant (Variation ID: 1805645). An algorithm developed to predict the effect of missense changes on protein structure and function (PolyPhen-2) suggests that this variant is likely to be tolerated. In summary, the available evidence is currently insufficient to determine the role of this variant in disease. Therefore, it has been classified as a Variant of Uncertain Significance.

Victorian Clinical Genetics Services, Murdoch Childrens Research Institute
Classification: Uncertain significance for Perlman syndrome. Last evaluated: 2020-04-09. Review status: criteria provided, single submitter. Criteria: ACMG Guidelines, 2015. Collection method: clinical testing. Allele origin: germline. Inheritance: Autosomal recessive inheritance. Affected: yes.
Comment: Based on the classification scheme VCGS_Germline_v1.1.1, this variant is classified as 3C-VUS. Following criteria are met: 0102 - Loss-of-function is a known mechanism of disease for this gene. (N) 0106 - This gene is known to be associated with autosomal recessive disease. (N) 0200 - Variant is predicted to result in a missense amino acid change from valine to leucine (exon 6). (N) 0251 - Variant is heterozygous. (N) 0301 - Variant is absent from gnomAD. (P) 0503 - Missense variant consistently predicted to be tolerated and not conserved in mammals with a minor amino acid change. (B) 0600 - Variant is located in the RRP44-like cold shock domain (NCBI conserved domain). (N) 0705 - No comparable variants have previous evidence for pathogenicity. (N) 0807 - Variant has not previously been reported in a clinical context. (N) 0905 - No segregation evidence has been identified for this variant. (N) 1007 - No published functional evidence has been identified for this variant in the literature. (N) 1208 - Inheritance information for this variant is not currently available. (N) Legend: (P) - Pathogenic, (N) - Neutral, (B) - Benign

NM_152383.5(DIS3L2):c.553G>T (p.Val185Leu)

Gene: DIS3L2 (DIS3 like 3'-5' exoribonuclease 2; plus strand). Cytogenetic location: 2q37.1.
Variant type: single nucleotide variant.
Coding change: c.553G>T on transcript NM_152383.5 (MANE Select); coding-DNA position 553, G replaced by T.
Protein change: p.Val185Leu; replaces valine 185 with leucine.
Molecular consequence: missense variant. On other transcripts: non-coding transcript variant (2).
Genome position (GRCh38, 1-based): chr2:232,087,673, G>T. VCF-style: chr2-232087673-G-T. GRCh37 (hg19) VCF-style: chr2-232952383-G-T.
Other names: c.553G>T, p.Val185Leu (NM_001257281.2, NM_001257282.2); short protein forms V185L.
Identifiers: ClinVar variation 1805645 (VCV001805645.4), dbSNP rs2469750226, ClinGen allele CA351155237.
Genomic context (GRCh38, chr2:232,087,673, plus strand): 5'-ATTGTAGAGGCTCAGTTTGATGGCAGCGACTCAGAAGATGGACATGGCATCACACAAAAT[G>T]TGCTGGTTGATGGTGTTAAGAAACTCTCAGTTTGTGTTTCTGAGAAAGGTGAGTACTAGA-3'
Protein context (NP_689596.4, residues 175-195): SEDGHGITQN[Val185Leu]LVDGVKKLSV